The following is an entry in ClinVar:

NM_001378183.1(PIEZO2):c.3730G>A (p.Val1244Met)

Gene: PIEZO2 (piezo type mechanosensitive ion channel component 2; minus strand). Cytogenetic location: 18p11.22.
Variant type: single nucleotide variant.
Coding change: c.3730G>A on transcript NM_001378183.1 (MANE Select); coding-DNA position 3730, G replaced by A.
Protein change: p.Val1244Met; replaces valine 1244 with methionine.
Molecular consequence: missense variant.
Genome position (GRCh38, 1-based): chr18:10,759,509, C>T on the plus strand (G>A on the coding strand, the complement: PIEZO2 is on the minus strand). VCF-style: chr18-10759509-C-T. GRCh37 (hg19) VCF-style: chr18-10759507-C-T.
Other names: c.3655G>A, p.Val1219Met (NM_022068.4); short protein forms V1219M, V1244M.
Identifiers: ClinVar variation 267268 (VCV000267268.23), dbSNP rs73946020, ClinGen allele CA8892506.

ClinVar aggregate classification (germline): Conflicting classifications of pathogenicity. Review status: criteria provided, conflicting classifications (1 of 4 stars). 8 submissions from 8 submitters: Uncertain significance (1); Benign (2); Likely benign (2). 3 of the submissions do not count toward it. Last evaluated 2026-02-03.

Conditions:
autosomal recessive PIEZO2 associated disease.
Arthrogryposis, distal, with impaired proprioception and touch (DAIPT). Identifiers: MedGen C4310692, MONDO:0014941, OMIM 617146.

Allele frequency attached by ClinVar (database versions not stated): gnomAD exomes 0.00094 and 0.00163; ExAC 0.00175; 1000 Genomes Project 0.00459; 1000 Genomes Project 30x 0.00515; ESP Exome Variant Server 0.00526; gnomAD 0.00561 and 0.00599; TOPMed 0.00646.
gnomAD v4.1: 2,205 of 1,537,112 alleles (0.14%); highest among the groups gnomAD compares: African/African-American, 1.8%; 17 homozygotes.

Submissions (8):

Labcorp Genetics (formerly Invitae), Labcorp
Classification: Benign. Last evaluated: 2026-02-03. Review status: criteria provided, single submitter. Criteria: Invitae Variant Classification Sherloc (09022015). Collection method: clinical testing. Allele origin: germline.

CeGaT Center for Human Genetics Tuebingen
Classification: Benign. Last evaluated: 2025-12-01. Review status: criteria provided, single submitter. Criteria: CeGaT Center For Human Genetics Tuebingen Variant Classification Criteria Version 2. Collection method: clinical testing. Allele origin: germline. Affected: yes. Observed: 1 variant allele.
Comment: PIEZO2: BS1, BS2

Blueprint Genetics
Classification: Likely benign. Last evaluated: 2024-11-25. Review status: criteria provided, single submitter. Criteria: ACMG Guidelines, 2015. Collection method: clinical testing. Allele origin: germline.

GeneDx
Classification: Likely benign. Last evaluated: 2020-07-14. Review status: criteria provided, single submitter. Criteria: GeneDx Variant Classification Process June 2021. Collection method: clinical testing. Allele origin: germline. Affected: yes.

Cytogenetics and Genomics Lab, Cyprus Institute Of Neurology and Genetics
Classification: Uncertain significance for Arthrogryposis, distal, with impaired proprioception and touch. Last evaluated: 2020-04-10. Review status: criteria provided, single submitter. Criteria: ACMG Guidelines, 2015. Collection method: research. Allele origin: maternal. Inheritance: Autosomal recessive inheritance. Affected: yes. Observed: 1 compound heterozygote.

Institute of Human Genetics, Cologne University
Classification: Uncertain significance for autosomal recessive PIEZO2 associated disease. Last evaluated: 2016-10-07. Review status: no assertion criteria provided. Collection method: clinical testing. Allele origin: unknown. Affected: no. Observed: 1 variant allele, 1 heterozygote. Not counted in ClinVar's aggregate classification.

Clinical Genetics DNA and cytogenetics Diagnostics Lab, Erasmus MC, Erasmus Medical Center
Classification: Benign. Review status: no assertion criteria provided. Collection method: clinical testing. Allele origin: germline. Affected: yes. Study: VKGL Data-share Consensus. Not counted in ClinVar's aggregate classification.

Laboratory of Diagnostic Genome Analysis, Leiden University Medical Center (LUMC)
Classification: Likely benign. Review status: no assertion criteria provided. Collection method: clinical testing. Allele origin: germline. Affected: yes. Study: VKGL Data-share Consensus. Not counted in ClinVar's aggregate classification.